The following is an entry in ClinVar:

ClinVar aggregate classification (germline): Uncertain significance (1 of 4 stars; one submission).

Conditions:
Sarcosine dehydrogenase deficiency (SAR). Also called: SARCOSINE DEHYDROGENASE COMPLEX DEFICIENCY; SARD DEFICIENCY; SARDH DEFICIENCY; Sarcosinemia; Hypersarcosinemia. Identifiers: Orphanet 3129, MedGen C0268563, MONDO:0010008, OMIM 268900, HP:0010896.

Submission:

3billion
Classification: Uncertain significance for Sarcosine dehydrogenase deficiency. Last evaluated: 2024-06-25. Review status: criteria provided, single submitter. Criteria: ACMG Guidelines, 2015. Collection method: clinical testing. Allele origin: germline. Affected: yes.
Comment: The variant is not observed in the gnomAD v4.0.0 dataset. Predicted Consequence/Location: The majority of the known disease-causing variants of this gene are variants expected to result in premature termination of the protein. In silico tool predictions suggest damaging effect of the variant on gene or gene product [REVEL: 0.80 (>=0.6, sensitivity 0.68 and specificity 0.92)]. Therefore, this variant is classified as VUS according to the recommendation of ACMG/AMP guideline.

NM_001134707.2(SARDH):c.2378C>T (p.Ala793Val)

Gene: SARDH (sarcosine dehydrogenase; minus strand). Cytogenetic location: 9q34.2.
Variant type: single nucleotide variant.
Coding change: c.2378C>T on transcript NM_001134707.2 (MANE Select); coding-DNA position 2378, C replaced by T.
Protein change: p.Ala793Val; replaces alanine 793 with valine.
Molecular consequence: missense variant.
Genome position (GRCh38, 1-based): chr9:133,670,701, G>A on the plus strand (C>T on the coding strand, the complement: SARDH is on the minus strand). VCF-style: chr9-133670701-G-A. GRCh37 (hg19) VCF-style: chr9-136535823-G-A.
Other names: c.2378C>T, p.Ala793Val (NM_007101.4); short protein forms A793V.
Identifiers: ClinVar variation 4292891 (VCV004292891.1).